The following is an entry in ClinVar:

NM_002796.3(PSMB4):c.103G>A (p.Ala35Thr)

Gene: PSMB4 (proteasome 20S subunit beta 4; plus strand). Cytogenetic location: 1q21.3.
Variant type: single nucleotide variant.
Coding change: c.103G>A on transcript NM_002796.3 (MANE Select); coding-DNA position 103, G replaced by A.
Protein change: p.Ala35Thr; replaces alanine 35 with threonine.
Molecular consequence: missense variant.
Genome position (GRCh38, 1-based): chr1:151,399,690, G>A. VCF-style: chr1-151399690-G-A. GRCh37 (hg19) VCF-style: chr1-151372166-G-A.
Other names: short protein forms A35T.
Identifiers: ClinVar variation 1387695 (VCV001387695.6), dbSNP rs1652750235, ClinGen allele CA341919615.

ClinVar aggregate classification (germline): Uncertain significance (1 of 4 stars; one submission).

Allele frequency attached by ClinVar (database versions not stated): TOPMed below 0.00001.

Submission:

Labcorp Genetics (formerly Invitae), Labcorp
Classification: Uncertain significance. Last evaluated: 2021-10-18. Review status: criteria provided, single submitter. Criteria: Invitae Variant Classification Sherloc (09022015). Collection method: clinical testing. Allele origin: germline.
Comment: This variant has not been reported in the literature in individuals affected with PSMB4-related conditions. This sequence change replaces alanine with threonine at codon 35 of the PSMB4 protein (p.Ala35Thr). The alanine residue is weakly conserved and there is a small physicochemical difference between alanine and threonine. This variant is not present in population databases (ExAC no frequency). Algorithms developed to predict the effect of missense changes on protein structure and function (SIFT, PolyPhen-2, Align-GVGD) all suggest that this variant is likely to be tolerated. In summary, the available evidence is currently insufficient to determine the role of this variant in disease. Therefore, it has been classified as a Variant of Uncertain Significance.